The following is an entry in ClinVar:

NM_000937.5(POLR2A):c.5731C>T (p.Pro1911Ser)

Gene: POLR2A (RNA polymerase II subunit A; plus strand). Cytogenetic location: 17p13.1.
Variant type: single nucleotide variant.
Coding change: c.5731C>T on transcript NM_000937.5 (MANE Select); coding-DNA position 5731, C replaced by T.
Protein change: p.Pro1911Ser; replaces proline 1911 with serine.
Molecular consequence: missense variant.
Genome position (GRCh38, 1-based): chr17:7,513,997, C>T. VCF-style: chr17-7513997-C-T. GRCh37 (hg19) VCF-style: chr17-7417314-C-T.
Other names: short protein forms P1911S.
Identifiers: ClinVar variation 4885976 (VCV004885976.2).

ClinVar aggregate classification (germline): Uncertain significance (1 of 4 stars; one submission).

Submission:

Dasa
Classification: Uncertain significance. Last evaluated: 2025-02-07. Review status: criteria provided, single submitter. Criteria: DASA Assertion Criteria. Collection method: clinical testing. Allele origin: germline.
Comment: NM_000937.5(POLR2A):c.5731C>T (p.Pro1911Ser) is a missense variant that results in the substitution of proline with serine. This variant is absent from population databases. Computational prediction algorithms are consistent with a benign effect. The currently available literature and clinical evidence are not sufficient to establish a definitive association between this variant and the reported condition. Therefore, this variant is classified as a variant of uncertain significance.